The following is an entry in ClinVar:

ClinVar aggregate classification (germline): Uncertain significance. Review status: criteria provided, multiple submitters, no conflicts (2 of 4 stars). 2 submissions from 2 submitters: Uncertain significance (2). Last evaluated 2022-05-04.

Conditions:
Cardiovascular phenotype. Identifiers: MedGen CN230736.
Alstrom syndrome (ALMS). Identifiers: Orphanet 64, MedGen C0268425, MONDO:0008763, OMIM 203800.

Allele frequency attached by ClinVar (database versions not stated): gnomAD exomes below 0.00001; TOPMed below 0.00001.
gnomAD v4.1: 3 of 1,612,596 alleles (0.00019%); highest among the groups gnomAD compares: Non-Finnish European, 0.00017%; no homozygotes.

Submissions (2):

Labcorp Genetics (formerly Invitae), Labcorp
Classification: Uncertain significance for Alstrom syndrome. Last evaluated: 2022-05-04. Review status: criteria provided, single submitter. Criteria: Invitae Variant Classification Sherloc (09022015). Collection method: clinical testing. Allele origin: germline.
Comment: This sequence change replaces serine, which is neutral and polar, with alanine, which is neutral and non-polar, at codon 1286 of the ALMS1 protein (p.Ser1286Ala). This variant is present in population databases (no rsID available, gnomAD 0.0009%). This variant has not been reported in the literature in individuals affected with ALMS1-related conditions. Experimental studies and prediction algorithms are not available or were not evaluated, and the functional significance of this variant is currently unknown. In summary, the available evidence is currently insufficient to determine the role of this variant in disease. Therefore, it has been classified as a Variant of Uncertain Significance.

Ambry Genetics
Classification: Uncertain significance for Cardiovascular phenotype. Last evaluated: 2021-12-21. Review status: criteria provided, single submitter. Criteria: Ambry Variant Classification Scheme 2023. Collection method: clinical testing. Allele origin: germline.
Comment: The p.S1286A variant (also known as c.3856T>G), located in coding exon 8 of the ALMS1 gene, results from a T to G substitution at nucleotide position 3856. The serine at codon 1286 is replaced by alanine, an amino acid with similar properties. This amino acid position is well conserved in available vertebrate species. In addition, this alteration is predicted to be tolerated by in silico analysis. Since supporting evidence is limited at this time, the clinical significance of this alteration remains unclear.

NM_001378454.1(ALMS1):c.3853T>G (p.Ser1285Ala)

Gene: ALMS1 (ALMS1 centrosome and basal body associated protein; plus strand). Cytogenetic location: 2p13.1.
Variant type: single nucleotide variant.
Coding change: c.3853T>G on transcript NM_001378454.1 (MANE Select); coding-DNA position 3853, T replaced by G.
Protein change: p.Ser1285Ala; replaces serine 1285 with alanine.
Molecular consequence: missense variant.
Genome position (GRCh38, 1-based): chr2:73,450,380, T>G. VCF-style: chr2-73450380-T-G. GRCh37 (hg19) VCF-style: chr2-73677507-T-G.
Other names: c.3856T>G, p.Ser1286Ala (NM_015120.4); short protein forms S1285A, S1286A.
Identifiers: ClinVar variation 1735563 (VCV001735563.4), dbSNP rs1472383915, ClinGen allele CA347276928.